The following is an entry in ClinVar:

NM_006531.5(IFT88):c.1159G>A (p.Ala387Thr)

Gene: IFT88 (intraflagellar transport 88; plus strand). Cytogenetic location: 13q12.11.
Variant type: single nucleotide variant.
Coding change: c.1159G>A on transcript NM_006531.5 (MANE Select); coding-DNA position 1159, G replaced by A.
Protein change: p.Ala387Thr; replaces alanine 387 with threonine.
Molecular consequence: missense variant. On other transcripts: non-coding transcript variant (5), intron variant (1).
Genome position (GRCh38, 1-based): chr13:20,615,839, G>A. VCF-style: chr13-20615839-G-A. GRCh37 (hg19) VCF-style: chr13-21189978-G-A.
Other names: c.1102G>A, p.Ala368Thr (NM_001318491.2, NM_001353575.2); c.1186G>A, p.Ala396Thr (NM_001318493.2, NM_001353565.2, NM_001353566.2 and 2 more transcripts); c.1159G>A, p.Ala387Thr (NM_001353568.2, NM_001353572.2); c.1084G>A, p.Ala362Thr (NM_001353569.2, NM_001353570.2, NM_001353576.2 and 1 more transcripts); c.1057G>A, p.Ala353Thr (NM_001353571.2, NM_001353578.2); c.1000G>A, p.Ala334Thr (NM_001353574.2); c.526G>A, p.Ala176Thr (NM_001353579.2); c.1056-9911G>A (NM_001353573.2); short protein forms A353T, A362T, A387T, A334T, A396T, A176T, A368T.
Identifiers: ClinVar variation 2175368 (VCV002175368.4), dbSNP rs749518522, ClinGen allele CA6905305.

ClinVar aggregate classification (germline): Uncertain significance (1 of 4 stars; one submission).

Allele frequency attached by ClinVar (database versions not stated): ExAC 0.00002.
gnomAD v4.1: 13 of 1,608,852 alleles (0.00081%); highest among the groups gnomAD compares: South Asian, 0.012%; no homozygotes.

Submission:

Labcorp Genetics (formerly Invitae), Labcorp
Classification: Uncertain significance. Last evaluated: 2023-12-07. Review status: criteria provided, single submitter. Criteria: Invitae Variant Classification Sherloc (09022015). Collection method: clinical testing. Allele origin: germline.
Comment: This sequence change replaces alanine, which is neutral and non-polar, with threonine, which is neutral and polar, at codon 396 of the IFT88 protein (p.Ala396Thr). This variant is present in population databases (rs749518522, gnomAD 0.02%). This variant has not been reported in the literature in individuals affected with IFT88-related conditions. ClinVar contains an entry for this variant (Variation ID: 2175368). An algorithm developed to predict the effect of missense changes on protein structure and function (PolyPhen-2) suggests that this variant is likely to be disruptive. In summary, the available evidence is currently insufficient to determine the role of this variant in disease. Therefore, it has been classified as a Variant of Uncertain Significance.